The following is an entry in ClinVar:

NM_000384.3(APOB):c.1471G>T (p.Val491Phe)

Gene: APOB (apolipoprotein B; minus strand). Cytogenetic location: 2p24.1.
Variant type: single nucleotide variant.
Coding change: c.1471G>T on transcript NM_000384.3 (MANE Select); coding-DNA position 1471, G replaced by T.
Protein change: p.Val491Phe; replaces valine 491 with phenylalanine.
Molecular consequence: missense variant.
Genome position (GRCh38, 1-based): chr2:21,029,785, C>A on the plus strand (G>T on the coding strand, the complement: APOB is on the minus strand). VCF-style: chr2-21029785-C-A. GRCh37 (hg19) VCF-style: chr2-21252657-C-A.
Other names: short protein forms V491F.
Identifiers: ClinVar variation 926349 (VCV000926349.6), dbSNP rs775057058, ClinGen allele CA053819.
Genomic context (GRCh38, chr2:21,029,785, plus strand): 5'-GGATTGAAGACTTGAGTTCTGGAGTTAACTGCTCCATGGTTTGGCCCATATTTCCAATGA[C>A]CTGCATTGAAGAAAAGAAACAAGAACCCATCAGGGTGCAGGAGAGGGAAGTAAAAGGTGT-3'
Protein context (NP_000375.3, residues 481-501): DEDYTYLILR[Val491Phe]IGNMGQTMEQ

ClinVar aggregate classification (germline): Uncertain significance. Review status: criteria provided, multiple submitters, no conflicts (2 of 4 stars). 2 submissions from 2 submitters: Uncertain significance (2). Last evaluated 2022-12-16.

Conditions:
Cardiovascular phenotype. Identifiers: MedGen CN230736.

gnomAD v4.1: 8 of 1,614,002 alleles (0.0005%); highest among the groups gnomAD compares: Non-Finnish European, 0.00068%; no homozygotes.

Submissions (2):

Blueprint Genetics
Classification: Uncertain significance. Last evaluated: 2022-12-16. Review status: criteria provided, single submitter. Criteria: ACMG Guidelines, 2015. Collection method: clinical testing. Allele origin: germline.

Ambry Genetics
Classification: Uncertain significance for Cardiovascular phenotype. Last evaluated: 2021-07-22. Review status: criteria provided, single submitter. Criteria: Ambry Variant Classification Scheme 2023. Collection method: clinical testing. Allele origin: germline.
Comment: The p.V491F variant (also known as c.1471G>T) is located in coding exon 12 of the APOB gene. The valine at codon 491 is replaced by phenylalanine, an amino acid with highly similar properties. This change occurs in the first base pair of coding exon 12. This amino acid position is conserved. In addition, the in silico prediction for this alteration is inconclusive. Since supporting evidence is limited at this time, the clinical significance of this alteration remains unclear.